The following is an entry in ClinVar:

ClinVar aggregate classification (germline): Likely benign (0 of 4 stars; one submission).

Conditions:
DNAJB13-related disorder. Also called: DNAJB13-related condition.

Allele frequency attached by ClinVar (database versions not stated): gnomAD exomes 0.00001; ExAC 0.00004; gnomAD 0.00007; TOPMed 0.00013; 1000 Genomes Project 30x 0.00016; 1000 Genomes Project 0.00020.
gnomAD v4.1: 36 of 1,613,902 alleles (0.0022%); highest among the groups gnomAD compares: Admixed American, 0.032%; 1 homozygote.

Submission:

PreventionGenetics, part of Exact Sciences
Classification: Likely benign for DNAJB13-related condition. Last evaluated: 2019-06-18. Review status: no assertion criteria provided. Collection method: clinical testing. Allele origin: germline.
Comment: This variant is classified as likely benign based on ACMG/AMP sequence variant interpretation guidelines (Richards et al. 2015 PMID: 25741868, with internal and published modifications).

NM_153614.4(DNAJB13):c.-9T>C

Gene: DNAJB13 (DnaJ heat shock protein family (Hsp40) member B13; plus strand). Cytogenetic location: 11q13.4.
Variant type: single nucleotide variant.
Coding change: c.-9T>C on transcript NM_153614.4 (MANE Select); 9 bases upstream of the start codon, T replaced by C.
Molecular consequence: 5 prime UTR variant.
Genome position (GRCh38, 1-based): chr11:73,951,061, T>C. VCF-style: chr11-73951061-T-C. GRCh37 (hg19) VCF-style: chr11-73662106-T-C.
Other names: c.-314T>C (NM_001377263.1).
Identifiers: ClinVar variation 3033156 (VCV003033156.2), dbSNP rs573533574, ClinGen allele CA6180548.
Genomic context (GRCh38, chr11:73,951,061, plus strand): 5'-AAGGAAGCCAACTAACAGCCTTGCTAGAGTCTGAGGACTATCCAGGGCCTGACTGCCAGC[T>C]AGCCAGCCATGGGCCAGGATTATTACTCTGTGCTCGGGATCACTCGCAATTCAGAGGATG-3'